The following is an entry in ClinVar:

NM_032119.4(ADGRV1):c.13102C>T (p.Gln4368Ter)

Gene: ADGRV1 (adhesion G protein-coupled receptor V1; plus strand). Cytogenetic location: 5q14.3.
Variant type: single nucleotide variant.
Coding change: c.13102C>T on transcript NM_032119.4 (MANE Select); coding-DNA position 13102, C replaced by T.
Protein change: p.Gln4368Ter; replaces glutamine 4368 with a stop codon.
Molecular consequence: nonsense. On other transcripts: non-coding transcript variant (1).
Genome position (GRCh38, 1-based): chr5:90,781,449, C>T. VCF-style: chr5-90781449-C-T. GRCh37 (hg19) VCF-style: chr5-90077266-C-T.
Other names: short protein forms Q4368*.
Identifiers: ClinVar variation 4715388 (VCV004715388.1).

ClinVar aggregate classification (germline): Pathogenic (1 of 4 stars; one submission).

gnomAD v4.1: 2 of 1,605,088 alleles (0.00012%); highest among the groups gnomAD compares: Non-Finnish European, 0.00017%; no homozygotes.

Submission:

Labcorp Genetics (formerly Invitae), Labcorp
Classification: Pathogenic. Last evaluated: 2025-03-18. Review status: criteria provided, single submitter. Criteria: Invitae Variant Classification Sherloc (09022015). Collection method: clinical testing. Allele origin: germline.
Comment: This sequence change creates a premature translational stop signal (p.Gln4368*) in the ADGRV1 gene. It is expected to result in an absent or disrupted protein product. Loss-of-function variants in ADGRV1 are known to be pathogenic (PMID: 19357117, 22135276, 22147658, 26226137, 30718709, 31047384, 32467589). The frequency data for this variant in the population databases is considered unreliable, as metrics indicate poor data quality at this position in the gnomAD database. This variant has not been reported in the literature in individuals affected with ADGRV1-related conditions. Algorithms developed to predict the effect of sequence changes on RNA splicing suggest that this variant may disrupt the consensus splice site. For these reasons, this variant has been classified as Pathogenic.

Literature cited by the submitters: PubMed 19357117; PubMed 22135276; PubMed 22147658; PubMed 26226137; PubMed 30718709; PubMed 31047384; PubMed 32467589.